The following is an entry in ClinVar:

NM_001148.6(ANK2):c.8544C>A (p.Ser2848=)

Gene: ANK2 (ankyrin 2; plus strand). Cytogenetic location: 4q26.
Variant type: single nucleotide variant.
Coding change: c.8544C>A on transcript NM_001148.6 (MANE Select); coding-DNA position 8544, C replaced by A.
Protein change: p.Ser2848=; no amino-acid change (serine 2848 retained).
Molecular consequence: synonymous variant. On other transcripts: intron variant (68).
Genome position (GRCh38, 1-based): chr4:113,357,162, C>A. VCF-style: chr4-113357162-C-A. GRCh37 (hg19) VCF-style: chr4-114278318-C-A.
Other names: c.8310C>A, p.Ser2770= (NM_001386142.1); c.4944C>A, p.Ser1648= (NM_001386166.1); c.8685C>A, p.Ser2895= (NM_001386174.1); c.8661C>A, p.Ser2887= (NM_001386175.1); c.4412-3661C>A (NM_001386186.2, NM_001386148.2); c.4214-3661C>A (NM_001354269.3); c.4292-3661C>A (NM_001386187.2); c.4253-3661C>A (NM_001386147.1); and 35 more.
Identifiers: ClinVar variation 3047414 (VCV003047414.2), dbSNP rs781663204, ClinGen allele CA440879861.
Genomic context (GRCh38, chr4:113,357,162, plus strand): 5'-TGTTTCTAGAGCAGAATCTCCACAAGCAGATTGCCCCAGTGAAAGCTTTTCATCTTCATC[C>A]TCTTTGCCTCATTGTTTGGTATCTGAAGGAAAAGAATTAGATGAAGACATATCTGCCACA-3'
Protein context (NP_001139.3, residues 2838-2858): DCPSESFSSS[Ser2848=]SLPHCLVSEG

ClinVar aggregate classification (germline): Likely benign (0 of 4 stars; one submission).

Conditions:
ANK2-related disorder. Also called: ANK2-related condition.

gnomAD v4.1: 3 of 1,614,140 alleles (0.00019%); highest among the groups gnomAD compares: Admixed American, 0.005%; no homozygotes.

Submission:

PreventionGenetics, part of Exact Sciences
Classification: Likely benign for ANK2-related condition. Last evaluated: 2023-01-05. Review status: no assertion criteria provided. Collection method: clinical testing. Allele origin: germline.
Comment: This variant is classified as likely benign based on ACMG/AMP sequence variant interpretation guidelines (Richards et al. 2015 PMID: 25741868, with internal and published modifications).